The following is an entry in ClinVar:

ClinVar aggregate classification (germline): Uncertain significance. Review status: criteria provided, multiple submitters, no conflicts (2 of 4 stars). 2 submissions from 2 submitters: Uncertain significance (2). Last evaluated 2025-02-10.

Conditions:
Hereditary cancer-predisposing syndrome. Also called: Neoplastic Syndromes, Hereditary; Hereditary Cancer Syndrome; Tumor predisposition; Hereditary neoplastic syndrome. Identifiers: Orphanet 140162, MedGen C0027672, MeSH D009386, MONDO:0015356.
Hereditary breast ovarian cancer syndrome. Also called: Hereditary breast and ovarian cancer syndrome; BRCA1- and BRCA2-Associated Hereditary Breast and Ovarian Cancer; Hereditary breast and/or ovarian cancer syndrome; Hereditary breast and ovarian cancer; Hereditary breast and ovarian cancer syndrome (HBOC); Breast and ovarian cancer. Identifiers: Orphanet 145, MedGen C0677776, MeSH D061325, MONDO:0003582. Disease mechanism: loss of function.

Submissions (2):

Ambry Genetics
Classification: Uncertain significance for Hereditary cancer-predisposing syndrome. Last evaluated: 2025-02-10. Review status: criteria provided, single submitter. Criteria: Ambry Variant Classification Scheme 2023. Collection method: clinical testing. Allele origin: germline.
Comment: The p.E111K variant (also known as c.331G>A), located in coding exon 5 of the BRCA1 gene, results from a G to A substitution at nucleotide position 331. The glutamic acid at codon 111 is replaced by lysine, an amino acid with similar properties. This amino acid position is not well conserved in available vertebrate species. In addition, this alteration is predicted to be deleterious by in silico analysis. Based on the available evidence, the clinical significance of this variant remains unclear.

Labcorp Genetics (formerly Invitae), Labcorp
Classification: Uncertain significance for Hereditary breast ovarian cancer syndrome. Last evaluated: 2022-10-13. Review status: criteria provided, single submitter. Criteria: Invitae Variant Classification Sherloc (09022015). Collection method: clinical testing. Allele origin: germline.
Comment: This sequence change replaces glutamic acid, which is acidic and polar, with lysine, which is basic and polar, at codon 111 of the BRCA1 protein (p.Glu111Lys). This variant is not present in population databases (gnomAD no frequency). This variant has not been reported in the literature in individuals affected with BRCA1-related conditions. ClinVar contains an entry for this variant (Variation ID: 852070). Advanced modeling of protein sequence and biophysical properties (such as structural, functional, and spatial information, amino acid conservation, physicochemical variation, residue mobility, and thermodynamic stability) performed at Invitae indicates that this missense variant is not expected to disrupt BRCA1 protein function. In summary, the available evidence is currently insufficient to determine the role of this variant in disease. Therefore, it has been classified as a Variant of Uncertain Significance.

NM_007294.4(BRCA1):c.331G>A (p.Glu111Lys)

Gene: BRCA1 (BRCA1 DNA repair associated; minus strand). Cytogenetic location: 17q21.31.
Variant type: single nucleotide variant.
Coding change: c.331G>A on transcript NM_007294.4 (MANE Select); coding-DNA position 331, G replaced by A.
Protein change: p.Glu111Lys; replaces glutamic acid 111 with lysine.
Molecular consequence: missense variant. On other transcripts: non-coding transcript variant (1).
Genome position (GRCh38, 1-based): chr17:43,104,232, C>T on the plus strand (G>A on the coding strand, the complement: BRCA1 is on the minus strand). VCF-style: chr17-43104232-C-T. GRCh37 (hg19) VCF-style: chr17-41256249-C-T.
Other names: c.190G>A, p.Glu64Lys (NM_001408464.1, NM_001408465.1, NM_001408466.1 and 99 more transcripts); c.121G>A, p.Glu41Lys (NM_001408482.1, NM_001408483.1, NM_001408484.1 and 58 more transcripts); c.331G>A, p.Glu111Lys (NM_001408472.1, NM_001408473.1, NM_001407581.1 and 165 more transcripts); c.253G>A, p.Glu85Lys (NM_001408474.1, NM_001408475.1, NM_001408476.1 and 21 more transcripts); c.322G>A, p.Glu108Lys (NM_001407646.1, NM_001407647.1, NM_001408408.1); c.-51G>A (NM_001407959.1, NM_001407960.1, NM_001407962.1 and 4 more transcripts); c.199G>A, p.Glu67Lys (NM_001408451.1); short protein forms E64K, E111K, E41K, E67K, E85K, E108K.
Identifiers: ClinVar variation 852070 (VCV000852070.16), dbSNP rs1414264431, ClinGen allele CA10601485.